The following is an entry in ClinVar:

NM_007294.4(BRCA1):c.3270A>C (p.Gln1090His)

Genes: BRCA1 (BRCA1 DNA repair associated; minus strand), LOC126862571 (BRD4-independent group 4 enhancer GRCh37_chr17:41243136-41244335; plus strand). Cytogenetic location: 17q21.31.
Variant type: single nucleotide variant.
Coding change: c.3270A>C on transcript NM_007294.4 (MANE Select); coding-DNA position 3270, A replaced by C.
Protein change: p.Gln1090His; replaces glutamine 1090 with histidine.
Molecular consequence: missense variant. On other transcripts: intron variant (137).
Genome position (GRCh38, 1-based): chr17:43,092,261, T>G on the plus strand (A>C on the coding strand, the complement: BRCA1 is on the minus strand). VCF-style: chr17-43092261-T-G. GRCh37 (hg19) VCF-style: chr17-41244278-T-G.
Other names: c.3270A>C, p.Gln1090His (NM_007300.4, NM_001407639.1, NM_001407640.1 and 30 more transcripts); c.647-1229A>C (NM_001408458.1, NM_001408469.1, NM_001408453.1 and 11 more transcripts); c.284-1229A>C (NM_001408512.1); c.407-1229A>C (NM_001408510.1); c.644-1229A>C (NM_001408470.1, NM_001408464.1, NM_001408468.1 and 3 more transcripts); c.785-1229A>C (NM_001408397.1, NM_001408401.1, NM_001408396.1 and 13 more transcripts); c.665-1229A>C (NM_001408436.1, NM_001408444.1, NM_001408438.1 and 12 more transcripts); c.788-1229A>C (NM_001407980.1, NM_001407993.1, NM_001407976.1 and 17 more transcripts); and 41 more; short protein forms Q1019H, Q1022H, Q1043H, Q1048H, Q1087H, Q1089H, Q979H, Q1090H.
Identifiers: ClinVar variation 5033161 (VCV005033161.1).

ClinVar aggregate classification (germline): Uncertain significance (1 of 4 stars; one submission).

Conditions:
Hereditary cancer-predisposing syndrome. Also called: Neoplastic Syndromes, Hereditary; Tumor predisposition; Hereditary neoplastic syndrome; Hereditary Cancer Syndrome. Identifiers: Orphanet 140162, MedGen C0027672, MeSH D009386, MONDO:0015356.

Submission:

Ambry Genetics
Classification: Uncertain significance for Hereditary cancer-predisposing syndrome. Last evaluated: 2026-06-30. Review status: criteria provided, single submitter. Criteria: Ambry Variant Classification Scheme 2023. Collection method: clinical testing. Allele origin: germline.
Comment: The p.Q1090H variant (also known as c.3270A>C), located in coding exon 9 of the BRCA1 gene, results from an A to C substitution at nucleotide position 3270. The glutamine at codon 1090 is replaced by histidine, an amino acid with highly similar properties. This amino acid position is highly conserved in available vertebrate species. In addition, the in silico prediction for this alteration is inconclusive. Based on the available evidence, the clinical significance of this variant remains unclear.